The following is an entry in ClinVar:

ClinVar aggregate classification (germline): Uncertain significance (1 of 4 stars; one submission).

Conditions:
Autosomal recessive limb-girdle muscular dystrophy type 2L (LGMDR12). Also called: MUSCULAR DYSTROPHY, LIMB-GIRDLE, AUTOSOMAL RECESSIVE 12; Limb-Girdle Muscular Dystrophy R12 Anoctamin-5-Related (LGMD-R12); Limb-girdle muscular dystrophy, type 2L. Identifiers: Orphanet 206549, MedGen C1969785, MONDO:0012652, OMIM 611307.
Gnathodiaphyseal dysplasia (GDD). Also called: GNATHODIAPHYSEAL SCLEROSIS; OSTEOGENESIS IMPERFECTA WITH UNUSUAL SKELETAL LESIONS. Identifiers: Orphanet 53697, MedGen C1833736, MONDO:0008151, OMIM 166260.

Submission:

Labcorp Genetics (formerly Invitae), Labcorp
Classification: Uncertain significance for Autosomal recessive limb-girdle muscular dystrophy type 2L; Gnathodiaphyseal dysplasia. Last evaluated: 2022-01-16. Review status: criteria provided, single submitter. Criteria: Invitae Variant Classification Sherloc (09022015). Collection method: clinical testing. Allele origin: germline.
Comment: Advanced modeling of protein sequence and biophysical properties (such as structural, functional, and spatial information, amino acid conservation, physicochemical variation, residue mobility, and thermodynamic stability) performed at Invitae indicates that this missense variant is not expected to disrupt ANO5 protein function. This variant has not been reported in the literature in individuals affected with ANO5-related conditions. This variant is not present in population databases (gnomAD no frequency). This sequence change replaces leucine, which is neutral and non-polar, with phenylalanine, which is neutral and non-polar, at codon 636 of the ANO5 protein (p.Leu636Phe). In summary, the available evidence is currently insufficient to determine the role of this variant in disease. Therefore, it has been classified as a Variant of Uncertain Significance.

NM_213599.3(ANO5):c.1908G>C (p.Leu636Phe)

Gene: ANO5 (anoctamin 5; plus strand). Cytogenetic location: 11p14.3.
Variant type: single nucleotide variant.
Coding change: c.1908G>C on transcript NM_213599.3 (MANE Select); coding-DNA position 1908, G replaced by C.
Protein change: p.Leu636Phe; replaces leucine 636 with phenylalanine.
Molecular consequence: missense variant.
Genome position (GRCh38, 1-based): chr11:22,270,321, G>C. VCF-style: chr11-22270321-G-C. GRCh37 (hg19) VCF-style: chr11-22291867-G-C.
Other names: c.1905G>C, p.Leu635Phe (NM_001142649.2); c.1866G>C, p.Leu622Phe (NM_001410963.1); c.1863G>C, p.Leu621Phe (NM_001410964.1); short protein forms L621F, L636F, L635F, L622F.
Identifiers: ClinVar variation 1911501 (VCV001911501.5), dbSNP rs1213825261, ClinGen allele CA379923242.